The following is an entry in ClinVar:

NM_000257.4(MYH7):c.4687C>G (p.Leu1563Val)

Genes: MHRT (myosin heavy chain associated RNA transcript; plus strand), MYH7 (myosin heavy chain 7; minus strand), LOC126861897 (BRD4-independent group 4 enhancer GRCh37_chr14:23884455-23885654; plus strand). Cytogenetic location: 14q11.2.
Variant type: single nucleotide variant.
Coding change: c.4687C>G on transcript NM_000257.4 (MANE Select); coding-DNA position 4687, C replaced by G.
Protein change: p.Leu1563Val; replaces leucine 1563 with valine.
Molecular consequence: missense variant. On other transcripts: non-coding transcript variant (1).
Genome position (GRCh38, 1-based): chr14:23,416,270, G>C on the plus strand (C>G on the coding strand, the complement: MYH7 is on the minus strand). VCF-style: chr14-23416270-G-C. GRCh37 (hg19) VCF-style: chr14-23885479-G-C.
Other names: short protein forms L1563V.
Identifiers: ClinVar variation 181263 (VCV000181263.15), dbSNP rs376843222, ClinGen allele CA015233.

ClinVar aggregate classification (germline): Uncertain significance. Review status: criteria provided, multiple submitters, no conflicts (2 of 4 stars). 3 submissions from 3 submitters: Uncertain significance (3). Last evaluated 2025-05-26.

Conditions:
Cardiomyopathy (CMYO). Also called: Cardiomyopathies. Identifiers: Orphanet 167848, MedGen C0878544, MONDO:0004994, HP:0001638. Inheritance: Various modes of inheritance.
Hypertrophic cardiomyopathy. Also called: HYPERTROPHIC MYOCARDIOPATHY. Identifiers: Orphanet 217569, MedGen C0007194, MeSH D002312, MONDO:0005045, HP:0001639.

Allele frequency attached by ClinVar (database versions not stated): gnomAD exomes 0.00001 and 0.00002; ExAC 0.00002; ESP Exome Variant Server 0.00008.
gnomAD v4.1: 14 of 1,613,230 alleles (0.00087%); highest among the groups gnomAD compares: East Asian, 0.0022%; no homozygotes.

Submissions (3):

Labcorp Genetics (formerly Invitae), Labcorp
Classification: Uncertain significance for Hypertrophic cardiomyopathy. Last evaluated: 2025-05-26. Review status: criteria provided, single submitter. Criteria: Invitae Variant Classification Sherloc (09022015). Collection method: clinical testing. Allele origin: germline.
Comment: This sequence change replaces leucine, which is neutral and non-polar, with valine, which is neutral and non-polar, at codon 1563 of the MYH7 protein (p.Leu1563Val). This variant is present in population databases (rs376843222, gnomAD 0.004%). This missense change has been observed in individual(s) with clinical features of MYH7-related conditions (internal data). ClinVar contains an entry for this variant (Variation ID: 181263). Invitae Evidence Modeling of protein sequence and biophysical properties (such as structural, functional, and spatial information, amino acid conservation, physicochemical variation, residue mobility, and thermodynamic stability) has been performed for this missense variant. However, the output from this modeling did not meet the statistical confidence thresholds required to predict the impact of this variant on MYH7 protein function. In summary, the available evidence is currently insufficient to determine the role of this variant in disease. Therefore, it has been classified as a Variant of Uncertain Significance.

Color Diagnostics, LLC DBA Color Health
Classification: Uncertain significance for Cardiomyopathy. Last evaluated: 2024-03-06. Review status: criteria provided, single submitter. Criteria: ACMG Guidelines, 2015. Collection method: clinical testing. Allele origin: germline.
Comment: This missense variant replaces leucine with valine at codon 1563 of the MYH7 protein. Computational prediction suggests that this variant may not impact protein structure and function (internally defined REVEL score threshold <= 0.5, PMID: 27666373). To our knowledge, functional studies have not been reported for this variant. This variant has not been reported in individuals affected with MYH7-related disorders in the literature. This variant has been identified in 5/251126 chromosomes in the general population by the Genome Aggregation Database (gnomAD). The available evidence is insufficient to determine the role of this variant in disease conclusively. Therefore, this variant is classified as a Variant of Uncertain Significance.

All of Us Research Program, National Institutes of Health
Classification: Uncertain significance for Cardiomyopathy. Last evaluated: 2023-01-10. Review status: criteria provided, single submitter. Criteria: ACMG Guidelines, 2015. Collection method: clinical testing. Allele origin: germline. Inheritance: Autosomal dominant inheritance. Observed: 1 variant allele, 1 heterozygote.
Comment: This missense variant replaces leucine with valine at codon 1563 of the MYH7 protein. Computational prediction suggests that this variant may not impact protein structure and function (internally defined REVEL score threshold <= 0.5, PMID: 27666373). To our knowledge, functional studies have not been reported for this variant. This variant has not been reported in individuals affected with MYH7-related disorders in the literature. This variant has been identified in 5/251126 chromosomes in the general population by the Genome Aggregation Database (gnomAD). The available evidence is insufficient to determine the role of this variant in disease conclusively. Therefore, this variant is classified as a Variant of Uncertain Significance.

This study involves interpretation of variants in research participants for the purpose of population health screening. Participant phenotype was not available at the time of variant classification. Additional details can be found in publication PMID: 35346344, PMCID: PMC8962531